The following is an entry in ClinVar:

NM_014396.4(VPS41):c.368T>C (p.Phe123Ser)

Gene: VPS41 (VPS41 subunit of HOPS complex; minus strand). Cytogenetic location: 7p14.1.
Variant type: single nucleotide variant.
Coding change: c.368T>C on transcript NM_014396.4 (MANE Select); coding-DNA position 368, T replaced by C.
Protein change: p.Phe123Ser; replaces phenylalanine 123 with serine.
Molecular consequence: missense variant.
Genome position (GRCh38, 1-based): chr7:38,821,219, A>G on the plus strand (T>C on the coding strand, the complement: VPS41 is on the minus strand). VCF-style: chr7-38821219-A-G. GRCh37 (hg19) VCF-style: chr7-38860819-A-G.
Other names: c.293T>C, p.Phe98Ser (NM_080631.4); short protein forms F123S, F98S.
Identifiers: ClinVar variation 2502449 (VCV002502449.3), dbSNP rs540991582, ClinGen allele CA157588187.
Genomic context (GRCh38, chr7:38,821,219, plus strand): 5'-CTTGAGAAAACCCTTAGAAAAAGTAAAACTTGCTGAATACTTACTTTAATGGGACAGTCA[A>G]AAGTCTCGTGAAATTCTTCTCCAGAATACAGTCCAAATACCTGCACCTACAAAGAAAATG-3'
Protein context (NP_055211.2, residues 113-133): LYSGEEFHET[Phe123Ser]DCPIKIIAVH

ClinVar aggregate classification (germline): Uncertain significance. Review status: criteria provided, multiple submitters, no conflicts (2 of 4 stars). 2 submissions from 2 submitters: Uncertain significance (2). Last evaluated 2025-10-11.

Conditions:
Inborn genetic diseases. Identifiers: MedGen C0950123, MeSH D030342.

Allele frequency attached by ClinVar (database versions not stated): gnomAD exomes 0.00002; TOPMed 0.00002; gnomAD 0.00003; 1000 Genomes Project 30x 0.00016; 1000 Genomes Project 0.00020.
gnomAD v4.1: 34 of 1,613,832 alleles (0.0021%); highest among the groups gnomAD compares: Admixed American, 0.035%; no homozygotes.

Submissions (2):

GeneDx
Classification: Uncertain significance. Last evaluated: 2025-10-11. Review status: criteria provided, single submitter. Criteria: GeneDx Variant Classification Process June 2021. Collection method: clinical testing. Allele origin: germline.
Comment: In silico analysis supports that this missense variant has a deleterious effect on protein structure/function; Has not been previously published as pathogenic or benign to our knowledge

Ambry Genetics
Classification: Uncertain significance for Inborn genetic diseases. Last evaluated: 2024-05-07. Review status: criteria provided, single submitter. Criteria: Ambry Variant Classification Scheme 2023. Collection method: clinical testing. Allele origin: germline.